The following is an entry in ClinVar:

ClinVar aggregate classification (germline): Uncertain significance. Review status: criteria provided, multiple submitters, no conflicts (2 of 4 stars). 2 submissions from 2 submitters: Uncertain significance (2). Last evaluated 2026-02-27.

Conditions:
Hereditary cancer-predisposing syndrome. Also called: Neoplastic Syndromes, Hereditary; Hereditary neoplastic syndrome; Tumor predisposition; Hereditary Cancer Syndrome. Identifiers: Orphanet 140162, MedGen C0027672, MeSH D009386, MONDO:0015356.
Birt-Hogg-Dube syndrome. Also called: Birt Hogg Dubé syndrome. Identifiers: Orphanet 122, MedGen C0346010, MONDO:0800444.

Allele frequency attached by ClinVar (database versions not stated): gnomAD exomes below 0.00001; gnomAD 0.00001.
gnomAD v4.1: 2 of 1,613,906 alleles (0.00012%); highest among the groups gnomAD compares: Admixed American, 0.0033%; no homozygotes.

Submissions (2):

Ambry Genetics
Classification: Uncertain significance for Hereditary cancer-predisposing syndrome. Last evaluated: 2026-02-27. Review status: criteria provided, single submitter. Criteria: Ambry Variant Classification Scheme 2023. Collection method: clinical testing. Allele origin: germline.

Labcorp Genetics (formerly Invitae), Labcorp
Classification: Uncertain significance for Birt-Hogg-Dube syndrome. Last evaluated: 2025-11-05. Review status: criteria provided, single submitter. Criteria: Invitae Variant Classification Sherloc (09022015). Collection method: clinical testing. Allele origin: germline.
Comment: This sequence change replaces isoleucine, which is neutral and non-polar, with valine, which is neutral and non-polar, at codon 482 of the FLCN protein (p.Ile482Val). This variant is present in population databases (no rsID available, gnomAD 0.003%). This variant has not been reported in the literature in individuals affected with FLCN-related conditions. ClinVar contains an entry for this variant (Variation ID: 582997). Invitae Evidence Modeling of protein sequence and biophysical properties (such as structural, functional, and spatial information, amino acid conservation, physicochemical variation, residue mobility, and thermodynamic stability) indicates that this missense variant is not expected to disrupt FLCN protein function with a negative predictive value of 80%. In summary, the available evidence is currently insufficient to determine the role of this variant in disease. Therefore, it has been classified as a Variant of Uncertain Significance.

NM_144997.7(FLCN):c.1444A>G (p.Ile482Val)

Gene: FLCN (folliculin; minus strand). Cytogenetic location: 17p11.2.
Variant type: single nucleotide variant.
Coding change: c.1444A>G on transcript NM_144997.7 (MANE Select); coding-DNA position 1444, A replaced by G.
Protein change: p.Ile482Val; replaces isoleucine 482 with valine.
Molecular consequence: missense variant.
Genome position (GRCh38, 1-based): chr17:17,215,079, T>C on the plus strand (A>G on the coding strand, the complement: FLCN is on the minus strand). VCF-style: chr17-17215079-T-C. GRCh37 (hg19) VCF-style: chr17-17118393-T-C.
Other names: c.1444A>G (LRG_325t1); c.1498A>G, p.Ile500Val (NM_001353229.2); c.1444A>G, p.Ile482Val (NM_001353230.2, NM_001353231.2); short protein forms I482V, I500V.
Identifiers: ClinVar variation 582997 (VCV000582997.10), dbSNP rs1440165382, ClinGen allele CA398531014.